The following is an entry in ClinVar:

NM_006206.6(PDGFRA):c.1411A>G (p.Asn471Asp)

Gene: PDGFRA (platelet derived growth factor receptor alpha; plus strand). Cytogenetic location: 4q12.
Variant type: single nucleotide variant.
Coding change: c.1411A>G on transcript NM_006206.6 (MANE Select); coding-DNA position 1411, A replaced by G.
Protein change: p.Asn471Asp; replaces asparagine 471 with aspartic acid.
Molecular consequence: missense variant.
Genome position (GRCh38, 1-based): chr4:54,273,583, A>G. VCF-style: chr4-54273583-A-G. GRCh37 (hg19) VCF-style: chr4-55139750-A-G.
Other names: c.1411A>G, p.Asn471Asp (NM_001347827.2, NM_001347829.2); c.1486A>G, p.Asn496Asp (NM_001347828.2); c.1450A>G, p.Asn484Asp (NM_001347830.2); short protein forms N471D, N484D, N496D.
Identifiers: ClinVar variation 407417 (VCV000407417.20), dbSNP rs758497476, ClinGen allele CA16611460.

ClinVar aggregate classification (germline): Uncertain significance. Review status: criteria provided, multiple submitters, no conflicts (2 of 4 stars). 2 submissions from 2 submitters: Uncertain significance (2). Last evaluated 2025-05-16.

Conditions:
Hereditary cancer-predisposing syndrome. Also called: Neoplastic Syndromes, Hereditary; Hereditary Cancer Syndrome; Hereditary neoplastic syndrome; Tumor predisposition. Identifiers: Orphanet 140162, MedGen C0027672, MeSH D009386, MONDO:0015356.
Gastrointestinal stromal tumor. Also called: Gastrointestinal stromal tumor, somatic; Gastrointestinal stroma tumor. Identifiers: Orphanet 44890, MedGen C0238198, MeSH D046152, MONDO:0011719, OMIM 606764, HP:0100723.

gnomAD v4.1: 8 of 1,614,072 alleles (0.0005%); highest among the groups gnomAD compares: Middle Eastern, 0.016%; no homozygotes.

Submissions (2):

Ambry Genetics
Classification: Uncertain significance for Hereditary cancer-predisposing syndrome. Last evaluated: 2025-05-16. Review status: criteria provided, single submitter. Criteria: Ambry Variant Classification Scheme 2023. Collection method: clinical testing. Allele origin: germline.
Comment: The p.N471D variant (also known as c.1411A>G), located in coding exon 9 of the PDGFRA gene, results from an A to G substitution at nucleotide position 1411. The asparagine at codon 471 is replaced by aspartic acid, an amino acid with highly similar properties. This amino acid position is not well conserved in available vertebrate species. In addition, this alteration is predicted to be tolerated by in silico analysis. Since supporting evidence is limited at this time, the clinical significance of this alteration remains unclear.

Labcorp Genetics (formerly Invitae), Labcorp
Classification: Uncertain significance for Gastrointestinal stromal tumor. Last evaluated: 2024-09-03. Review status: criteria provided, single submitter. Criteria: Invitae Variant Classification Sherloc (09022015). Collection method: clinical testing. Allele origin: germline.
Comment: This sequence change replaces asparagine, which is neutral and polar, with aspartic acid, which is acidic and polar, at codon 471 of the PDGFRA protein (p.Asn471Asp). This variant is present in population databases (no rsID available, gnomAD 0.005%). This variant has not been reported in the literature in individuals affected with PDGFRA-related conditions. ClinVar contains an entry for this variant (Variation ID: 407417). An algorithm developed to predict the effect of missense changes on protein structure and function outputs the following: PolyPhen-2: "Benign". The aspartic acid amino acid residue is found in multiple mammalian species, which suggests that this missense change does not adversely affect protein function. In summary, the available evidence is currently insufficient to determine the role of this variant in disease. Therefore, it has been classified as a Variant of Uncertain Significance.